The following is an entry in ClinVar:

NM_000089.4(COL1A2):c.693+1G>C

Gene: COL1A2 (collagen type I alpha 2 chain; plus strand). Cytogenetic location: 7q21.3.
Variant type: single nucleotide variant.
Coding change: c.693+1G>C on transcript NM_000089.4 (MANE Select); the canonical splice donor site of the intron after coding-DNA position 693, G replaced by C.
Molecular consequence: splice donor variant.
Genome position (GRCh38, 1-based): chr7:94,408,237, G>C. VCF-style: chr7-94408237-G-C. GRCh37 (hg19) VCF-style: chr7-94037549-G-C.
Identifiers: ClinVar variation 1384088 (VCV001384088.6), dbSNP rs72656381, ClinGen allele CA368220324.

ClinVar aggregate classification (germline): Pathogenic (1 of 4 stars; one submission).

Conditions:
Ehlers-Danlos syndrome, classic type, 1 (EDSCL1). Also called: EHLERS-DANLOS SYNDROME, GRAVIS TYPE; EHLERS-DANLOS SYNDROME, SEVERE CLASSIC TYPE; Ehlers-Danlos syndrome, type 1; Ehlers-Danlos Syndrome, Classic Type, COL5A1-Related; EDS I. Identifiers: MedGen C0268335, MONDO:0019567, OMIM 130000.
Osteogenesis imperfecta type I (OI1). Also called: OI, TYPE I; OSTEOGENESIS IMPERFECTA TARDA; OSTEOGENESIS IMPERFECTA WITH BLUE SCLERAE; Osteogenesis imperfecta type 1; Lobstein's Disease; Lobstein disease. Identifiers: Orphanet 216796, Orphanet 666, MedGen C0023931, MONDO:0008146, OMIM 166200. Disease mechanism: loss of function.

Submission:

Labcorp Genetics (formerly Invitae), Labcorp
Classification: Pathogenic for Osteogenesis imperfecta type I; Ehlers-Danlos syndrome, classic type, 1. Last evaluated: 2025-04-01. Review status: criteria provided, single submitter. Criteria: Invitae Variant Classification Sherloc (09022015). Collection method: clinical testing. Allele origin: germline.
Comment: This sequence change affects a donor splice site in intron 14 of the COL1A2 gene. It is expected to disrupt RNA splicing. Variants that disrupt the donor or acceptor splice site typically lead to a loss of protein function (PMID: 16199547), and loss-of-function variants in COL1A2 are known to be pathogenic (PMID: 11288717, 15077201). This variant is not present in population databases (gnomAD no frequency). Disruption of this splice site has been observed in individual(s) with autosomal dominant osteogenesis imperfecta (PMID: 30715774). This variant is also known as IVS14+1G>C. ClinVar contains an entry for this variant (Variation ID: 1384088). Algorithms developed to predict the effect of sequence changes on RNA splicing suggest that this variant may disrupt the consensus splice site. For these reasons, this variant has been classified as Pathogenic.

Literature cited by the submitters: PubMed 16199547; PubMed 11288717; PubMed 15077201; PubMed 30715774.